The following is an entry in ClinVar:

NM_212482.4(FN1):c.1002G>A (p.Thr334=)

Gene: FN1 (fibronectin 1; minus strand). Cytogenetic location: 2q35.
Variant type: single nucleotide variant.
Coding change: c.1002G>A on transcript NM_212482.4 (MANE Select); coding-DNA position 1002, G replaced by A.
Protein change: p.Thr334=; no amino-acid change (threonine 334 retained).
Molecular consequence: synonymous variant.
Genome position (GRCh38, 1-based): chr2:215,425,128, C>T on the plus strand (G>A on the coding strand, the complement: FN1 is on the minus strand). VCF-style: chr2-215425128-C-T. GRCh37 (hg19) VCF-style: chr2-216289851-C-T.
Other names: c.1002G>A, p.Thr334= (NM_001306129.2, NM_001306130.2, NM_001306131.2 and 14 more transcripts); c.1002G>A (NM_212482.2).
Identifiers: ClinVar variation 1600862 (VCV001600862.35), dbSNP rs138271073, ClinGen allele CA2095413.

ClinVar aggregate classification (germline): Benign/Likely benign. Review status: criteria provided, multiple submitters, no conflicts (2 of 4 stars). 5 submissions from 5 submitters: Benign (1); Likely benign (3). 1 of the submissions does not count toward it. Last evaluated 2025-12-24.

Conditions:
Glomerulopathy with fibronectin deposits 2 (GFND2). Identifiers: Orphanet 84090, MedGen C1866075, MONDO:0011165, OMIM 601894.
Spondylometaphyseal dysplasia - Sutcliffe type. Also called: Spondylometaphyseal dysplasia, 'corner fracture' type; Sutcliffe type of spondylometaphyseal dysplasia; Sutcliffe SMD; Spondylometaphyseal Dysplasia, Corner Fracture Type. Identifiers: Orphanet 93315, MedGen C0432221, MONDO:0008479, OMIM 184255.
FN1-related disorder. Also called: FN1-related condition.

Allele frequency attached by ClinVar (database versions not stated): 1000 Genomes Project 30x 0.00031; 1000 Genomes Project 0.00040; TOPMed 0.00044; gnomAD exomes 0.00080; ExAC 0.00090; gnomAD 0.00091 and 0.00094; ESP Exome Variant Server 0.00092.
gnomAD v4.1: 1,020 of 1,614,088 alleles (0.063%); highest among the groups gnomAD compares: Non-Finnish European, 0.062%; 1 homozygote.

Submissions (5):

Labcorp Genetics (formerly Invitae), Labcorp
Classification: Benign. Last evaluated: 2025-12-24. Review status: criteria provided, single submitter. Criteria: Invitae Variant Classification Sherloc (09022015). Collection method: clinical testing. Allele origin: germline.

Blueprint Genetics
Classification: Likely benign. Last evaluated: 2024-11-04. Review status: criteria provided, single submitter. Criteria: ACMG Guidelines, 2015. Collection method: clinical testing. Allele origin: germline.

CeGaT Center for Human Genetics Tuebingen
Classification: Likely benign. Last evaluated: 2024-11-01. Review status: criteria provided, single submitter. Criteria: CeGaT Center For Human Genetics Tuebingen Variant Classification Criteria Version 2. Collection method: clinical testing. Allele origin: germline. Affected: yes. Observed: 3 variant alleles.
Comment: FN1: BP4, BP7

Fulgent Genetics
Classification: Likely benign for Spondylometaphyseal dysplasia - Sutcliffe type; Glomerulopathy with fibronectin deposits 2. Last evaluated: 2021-11-27. Review status: criteria provided, single submitter. Criteria: ACMG Guidelines, 2015. Collection method: clinical testing. Allele origin: unknown.

PreventionGenetics, part of Exact Sciences
Classification: Likely benign for FN1-related condition. Last evaluated: 2019-09-19. Review status: no assertion criteria provided. Collection method: clinical testing. Allele origin: germline. Not counted in ClinVar's aggregate classification.
Comment: This variant is classified as likely benign based on ACMG/AMP sequence variant interpretation guidelines (Richards et al. 2015 PMID: 25741868, with internal and published modifications).